The following is an entry in ClinVar:

ClinVar aggregate classification (germline): Uncertain significance. Review status: criteria provided, multiple submitters, no conflicts (2 of 4 stars). 2 submissions from 2 submitters: Uncertain significance (2). Last evaluated 2025-09-09.

Conditions:
OTOG-related disorder. Also called: OTOG-related condition.

Allele frequency attached by ClinVar (database versions not stated): gnomAD 0.00003; TOPMed 0.00004.
gnomAD v4.1: 20 of 1,548,372 alleles (0.0013%); highest among the groups gnomAD compares: Admixed American, 0.035%; no homozygotes.

Submissions (2):

PreventionGenetics, part of Exact Sciences
Classification: Uncertain significance for OTOG-related condition. Last evaluated: 2025-09-09. Review status: criteria provided, single submitter. Criteria: ACMG Guidelines, 2015. Collection method: clinical testing. Allele origin: germline.
Comment: The OTOG c.8150C>T variant is predicted to result in the amino acid substitution p.Thr2717Ile. This variant was reported in an individual with congenital mild sensorineural hearing loss, however information about second variant was not provided (Table S, Florentine et al. 2022. PubMed ID: 34515852). This variant is reported in 0.053% of alleles in individuals of Latino descent in gnomAD. At this time, the clinical significance of this variant is uncertain due to the absence of conclusive functional and genetic evidence.

GeneDx
Classification: Uncertain significance. Last evaluated: 2024-07-17. Review status: criteria provided, single submitter. Criteria: GeneDx Variant Classification Process June 2021. Collection method: clinical testing. Allele origin: germline. Affected: yes.
Comment: In silico analysis indicates that this missense variant does not alter protein structure/function; This variant is associated with the following publications: (PMID: 34515852)

NM_001292063.2(OTOG):c.8114C>T (p.Thr2705Ile)

Gene: OTOG (otogelin; plus strand). Cytogenetic location: 11p15.1.
Variant type: single nucleotide variant.
Coding change: c.8114C>T on transcript NM_001292063.2 (MANE Select); coding-DNA position 8114, C replaced by T.
Protein change: p.Thr2705Ile; replaces threonine 2705 with isoleucine.
Molecular consequence: missense variant.
Genome position (GRCh38, 1-based): chr11:17,641,015, C>T. VCF-style: chr11-17641015-C-T. GRCh37 (hg19) VCF-style: chr11-17662562-C-T.
Other names: c.8150C>T, p.Thr2717Ile (NM_001277269.2); short protein forms T2705I, T2717I.
Identifiers: ClinVar variation 1309860 (VCV001309860.4), dbSNP rs547179694, ClinGen allele CA379784664.